The following is an entry in ClinVar:

NM_000632.4(ITGAM):c.2165T>C (p.Ile722Thr)

Gene: ITGAM (integrin subunit alpha M; plus strand). Cytogenetic location: 16p11.2.
Variant type: single nucleotide variant.
Coding change: c.2165T>C on transcript NM_000632.4 (MANE Select); coding-DNA position 2165, T replaced by C.
Protein change: p.Ile722Thr; replaces isoleucine 722 with threonine.
Molecular consequence: missense variant.
Genome position (GRCh38, 1-based): chr16:31,324,658, T>C. VCF-style: chr16-31324658-T-C. GRCh37 (hg19) VCF-style: chr16-31335979-T-C.
Other names: c.2168T>C, p.Ile723Thr (NM_001145808.2); short protein forms I723T, I722T.
Identifiers: ClinVar variation 1948204 (VCV001948204.5), dbSNP rs1473399512, ClinGen allele CA395688109.

ClinVar aggregate classification (germline): Uncertain significance (1 of 4 stars; one submission).

Allele frequency attached by ClinVar (database versions not stated): TOPMed below 0.00001; gnomAD exomes 0.00002.
gnomAD v4.1: 24 of 1,603,016 alleles (0.0015%); highest among the groups gnomAD compares: Non-Finnish European, 0.002%; no homozygotes.

Submission:

Labcorp Genetics (formerly Invitae), Labcorp
Classification: Uncertain significance. Last evaluated: 2022-03-18. Review status: criteria provided, single submitter. Criteria: Invitae Variant Classification Sherloc (09022015). Collection method: clinical testing. Allele origin: germline.
Comment: This variant has not been reported in the literature in individuals affected with ITGAM-related conditions. In summary, the available evidence is currently insufficient to determine the role of this variant in disease. Therefore, it has been classified as a Variant of Uncertain Significance. Algorithms developed to predict the effect of missense changes on protein structure and function are either unavailable or do not agree on the potential impact of this missense change (SIFT: "Deleterious"; PolyPhen-2: "Benign"; Align-GVGD: "Class C25"). This variant is present in population databases (no rsID available, gnomAD 0.0009%). This sequence change replaces isoleucine, which is neutral and non-polar, with threonine, which is neutral and polar, at codon 722 of the ITGAM protein (p.Ile722Thr).